The following is an entry in ClinVar:

NM_005045.4(RELN):c.7624G>C (p.Val2542Leu)

Gene: RELN (reelin; minus strand). Cytogenetic location: 7q22.1.
Variant type: single nucleotide variant.
Coding change: c.7624G>C on transcript NM_005045.4 (MANE Select); coding-DNA position 7624, G replaced by C.
Protein change: p.Val2542Leu; replaces valine 2542 with leucine.
Molecular consequence: missense variant.
Genome position (GRCh38, 1-based): chr7:103,522,066, C>G on the plus strand (G>C on the coding strand, the complement: RELN is on the minus strand). VCF-style: chr7-103522066-C-G. GRCh37 (hg19) VCF-style: chr7-103162513-C-G.
Other names: c.7624G>C, p.Val2542Leu (NM_173054.3); short protein forms V2542L.
Identifiers: ClinVar variation 1013934 (VCV001013934.8), dbSNP rs1829720851, ClinGen allele CA368766756.

ClinVar aggregate classification (germline): Uncertain significance (1 of 4 stars; one submission).

Conditions:
Familial temporal lobe epilepsy 7. Identifiers: Orphanet 101046, MedGen C4225327, MONDO:0014639, OMIM 616436.
Norman-Roberts syndrome (LIS2). Also called: Lissencephaly 2 (Norman-Roberts type). Identifiers: Orphanet 89844, MedGen C0796089, MONDO:0009760, OMIM 257320.

Submission:

Labcorp Genetics (formerly Invitae), Labcorp
Classification: Uncertain significance for Familial temporal lobe epilepsy 7; Norman-Roberts syndrome. Last evaluated: 2022-02-09. Review status: criteria provided, single submitter. Criteria: Invitae Variant Classification Sherloc (09022015). Collection method: clinical testing. Allele origin: germline.
Comment: In summary, the available evidence is currently insufficient to determine the role of this variant in disease. Therefore, it has been classified as a Variant of Uncertain Significance. This sequence change replaces valine, which is neutral and non-polar, with leucine, which is neutral and non-polar, at codon 2542 of the RELN protein (p.Val2542Leu). This variant is not present in population databases (gnomAD no frequency). This variant has not been reported in the literature in individuals affected with RELN-related conditions. ClinVar contains an entry for this variant (Variation ID: 1013934). Algorithms developed to predict the effect of missense changes on protein structure and function are either unavailable or do not agree on the potential impact of this missense change (SIFT: "Deleterious"; PolyPhen-2: "Possibly Damaging"; Align-GVGD: "Class C0").